The following is an entry in ClinVar:

NM_001321075.3(DLG4):c.782C>G (p.Thr261Arg)

Gene: DLG4 (discs large MAGUK scaffold protein 4; minus strand). Cytogenetic location: 17p13.1.
Variant type: single nucleotide variant.
Coding change: c.782C>G on transcript NM_001321075.3 (MANE Select); coding-DNA position 782, C replaced by G.
Protein change: p.Thr261Arg; replaces threonine 261 with arginine.
Molecular consequence: missense variant. On other transcripts: non-coding transcript variant (1).
Genome position (GRCh38, 1-based): chr17:7,202,908, G>C on the plus strand (C>G on the coding strand, the complement: DLG4 is on the minus strand). VCF-style: chr17-7202908-G-C. GRCh37 (hg19) VCF-style: chr17-7106227-G-C.
Other names: c.773C>G, p.Thr258Arg (NM_001128827.4); c.902C>G, p.Thr301Arg (NM_001321074.1); c.602C>G, p.Thr201Arg (NM_001321076.3, NM_001321077.3); c.911C>G, p.Thr304Arg (NM_001365.5); c.701C>G, p.Thr234Arg (NM_001369566.3); short protein forms T201R, T234R, T258R, T261R, T301R, T304R.
Identifiers: ClinVar variation 2637940 (VCV002637940.1), dbSNP rs2508013523, ClinGen allele CA397718023.
Genomic context (GRCh38, chr17:7,202,908, plus strand): 5'-TCATGGGTTAAACGGGATGGGTCATGGGGAACTTTGGTGTTTGAAGGGCTCTCACAGGTT[G>C]TGATGTCTGGGGGAGCATAGCTGTCACTCAGGTAGGCATTGCTGGGCTTGGCCACCTTTA-3'
Protein context (NP_001308004.1, residues 251-271): LSDSYAPPDI[Thr261Arg]TSYSQHLDNE

ClinVar aggregate classification (germline): Uncertain significance (1 of 4 stars; one submission).

Conditions:
Intellectual developmental disorder 62. Also called: INTELLECTUAL DEVELOPMENTAL DISORDER, AUTOSOMAL DOMINANT 62; MENTAL RETARDATION, AUTOSOMAL DOMINANT 62. Identifiers: MedGen C5394083, MONDO:0032919, OMIM 618793.

Submission:

Illumina Laboratory Services, Illumina
Classification: Uncertain significance for Intellectual developmental disorder 62. Last evaluated: 2023-08-09. Review status: criteria provided, single submitter. Criteria: ICSLVariantClassificationCriteria RUGD 01 April 2020. Collection method: clinical testing. Allele origin: unknown.
Comment: The DLG4 c.911C>G, p.(Thr304Arg) missense variant has not, to our knowledge, been reported in the peer-reviewed literature. This variant is not observed in version 2.1.1 or version 3.1.2 of the Genome Aggregation Database. This variant was identified in a de novo state. Based on the available evidence, the c.911C>G, p.(Thr304Arg) variant is classified as a variant of uncertain significance for DLG4-related synaptopathy.